The following is an entry in ClinVar:

NM_001174150.2(ARL13B):c.76A>G (p.Met26Val)

Gene: ARL13B (ARF like GTPase 13B; plus strand). Cytogenetic location: 3q11.1.
Variant type: single nucleotide variant.
Coding change: c.76A>G on transcript NM_001174150.2 (MANE Select); coding-DNA position 76, A replaced by G.
Protein change: p.Met26Val; replaces methionine 26 with valine.
Molecular consequence: missense variant. On other transcripts: 5 prime UTR variant (1), non-coding transcript variant (2), intron variant (2).
Genome position (GRCh38, 1-based): chr3:93,995,890, A>G. VCF-style: chr3-93995890-A-G. GRCh37 (hg19) VCF-style: chr3-93714734-A-G.
Other names: c.-92A>G (NM_001321328.2); c.76A>G, p.Met26Val (NM_001410782.1, NM_182896.3); c.-179-7769A>G (NM_001174151.2); c.59+15408A>G (NM_144996.4); short protein forms M26V.
Identifiers: ClinVar variation 2042528 (VCV002042528.3), dbSNP rs746717195, ClinGen allele CA2503758.

ClinVar aggregate classification (germline): Uncertain significance. Review status: criteria provided, multiple submitters, no conflicts (2 of 4 stars). 2 submissions from 2 submitters: Uncertain significance (2). Last evaluated 2026-06-30.

Conditions:
Joubert syndrome 8 (JBTS8). Identifiers: Orphanet 475, MedGen C2676771, MONDO:0012855, OMIM 612291.

Allele frequency attached by ClinVar (database versions not stated): gnomAD 0.00001.

Submissions (2):

Women's Health and Genetics/Laboratory Corporation of America, LabCorp
Classification: Uncertain significance. Last evaluated: 2026-06-30. Review status: criteria provided, single submitter. Criteria: LabCorp Variant Classification Summary - May 2015. Collection method: clinical testing. Allele origin: germline.

Labcorp Genetics (formerly Invitae), Labcorp
Classification: Uncertain significance for Joubert syndrome 8. Last evaluated: 2023-08-10. Review status: criteria provided, single submitter. Criteria: Invitae Variant Classification Sherloc (09022015). Collection method: clinical testing. Allele origin: germline.
Comment: This sequence change replaces methionine, which is neutral and non-polar, with valine, which is neutral and non-polar, at codon 26 of the ARL13B protein (p.Met26Val). This variant is present in population databases (rs746717195, gnomAD 0.004%). This variant has not been reported in the literature in individuals affected with ARL13B-related conditions. ClinVar contains an entry for this variant (Variation ID: 2042528). Advanced modeling of protein sequence and biophysical properties (such as structural, functional, and spatial information, amino acid conservation, physicochemical variation, residue mobility, and thermodynamic stability) performed at Invitae indicates that this missense variant is not expected to disrupt ARL13B protein function. In summary, the available evidence is currently insufficient to determine the role of this variant in disease. Therefore, it has been classified as a Variant of Uncertain Significance.